The following is an entry in ClinVar:

NM_080680.3(COL11A2):c.92del (p.Pro31fs)

Gene: COL11A2 (collagen type XI alpha 2 chain; minus strand). Cytogenetic location: 6p21.32.
Variant type: Deletion.
Coding change: c.92del on transcript NM_080680.3 (MANE Select); coding-DNA position 92, one base deleted (C; older notation c.92delC).
Protein change: p.Pro31fs; shifts the reading frame from proline 31.
Molecular consequence: frameshift variant. On other transcripts: 5 prime UTR variant (3), non-coding transcript variant (1).
Genome position (GRCh38, 1-based): chr6:33,189,460, G deleted on the plus strand (C on the coding strand, the reverse complement: COL11A2 is on the minus strand); the first of 5 consecutive G bases (chr6:33,189,460-33,189,464); deleting any one gives the same sequence. VCF-style (leftmost placement, unchanged base first): chr6-33189459-AG-A. GRCh37 (hg19) VCF-style: chr6-33157236-AG-A.
Other names: c.92del, p.Pro31fs (NM_001163771.2, NM_001424108.1, NM_080679.3 and 1 more transcripts); c.-755del (NM_001424109.1, NM_001424110.1, NM_001424111.1); short protein forms P31fs.
Identifiers: ClinVar variation 4999708 (VCV004999708.1).

ClinVar aggregate classification (germline): Likely pathogenic (1 of 4 stars; one submission).

Conditions:
COL11A2-related disorder. Also called: COL11A2-related condition; COL11A2-related disorders.

Submission:

PreventionGenetics, part of Exact Sciences
Classification: Likely pathogenic for COL11A2-related condition. Last evaluated: 2024-12-31. Review status: criteria provided, single submitter. Criteria: ACMG Guidelines, 2015. Collection method: clinical testing. Allele origin: germline.
Comment: The COL11A2 c.92delC variant is predicted to result in a frameshift and premature protein termination (p.Pro31Leufs*8). To our knowledge, this variant has not been reported in the literature or in a large population database (gnomAD), indicating this variant is rare. Frameshift variants in COL11A2 are an established mechanism of disease. This variant is interpreted as likely pathogenic.